The following is an entry in ClinVar:

ClinVar aggregate classification (germline): Uncertain significance (1 of 4 stars; one submission).

Conditions:
Hajdu-Cheney syndrome (HJCYS). Also called: ACROOSTEOLYSIS WITH OSTEOPOROSIS AND CHANGES IN SKULL AND MANDIBLE; SERPENTINE FIBULA-POLYCYSTIC KIDNEY SYNDROME; Acroosteolysis dominant type. Identifiers: Orphanet 955, MedGen C0917715, MONDO:0007057, OMIM 102500.

Submission:

Labcorp Genetics (formerly Invitae), Labcorp
Classification: Uncertain significance for Hajdu-Cheney syndrome. Last evaluated: 2025-10-02. Review status: criteria provided, single submitter. Criteria: Invitae Variant Classification Sherloc (09022015). Collection method: clinical testing. Allele origin: germline.
Comment: This sequence change replaces leucine, which is neutral and non-polar, with valine, which is neutral and non-polar, at codon 2272 of the NOTCH2 protein (p.Leu2272Val). This variant is not present in population databases (gnomAD no frequency). This variant has not been reported in the literature in individuals affected with NOTCH2-related conditions. ClinVar contains an entry for this variant (Variation ID: 2749985). Invitae Evidence Modeling of protein sequence and biophysical properties (such as structural, functional, and spatial information, amino acid conservation, physicochemical variation, residue mobility, and thermodynamic stability) indicates that this missense variant is not expected to disrupt NOTCH2 protein function with a negative predictive value of 80%. In summary, the available evidence is currently insufficient to determine the role of this variant in disease. Therefore, it has been classified as a Variant of Uncertain Significance.

NM_024408.4(NOTCH2):c.6814C>G (p.Leu2272Val)

Gene: NOTCH2 (notch receptor 2; minus strand). Cytogenetic location: 1p12.
Variant type: single nucleotide variant.
Coding change: c.6814C>G on transcript NM_024408.4 (MANE Select); coding-DNA position 6814, C replaced by G.
Protein change: p.Leu2272Val; replaces leucine 2272 with valine.
Molecular consequence: missense variant.
Genome position (GRCh38, 1-based): chr1:119,915,908, G>C on the plus strand (C>G on the coding strand, the complement: NOTCH2 is on the minus strand). VCF-style: chr1-119915908-G-C. GRCh37 (hg19) VCF-style: chr1-120458531-G-C.
Other names: short protein forms L2272V.
Identifiers: ClinVar variation 2749985 (VCV002749985.3), dbSNP rs2101142983, ClinGen allele CA341875571.